The following is an entry in ClinVar:

NM_001267550.2(TTN):c.101541del (p.Lys33848fs)

Genes: TTN (titin; minus strand), TTN-AS1 (TTN antisense RNA 1; plus strand). Cytogenetic location: 2q31.2.
Variant type: Deletion.
Coding change: c.101541del on transcript NM_001267550.2 (MANE Select); coding-DNA position 101541, one base deleted (C; older notation c.101541delC).
Protein change: p.Lys33848fs; shifts the reading frame from lysine 33848.
Molecular consequence: frameshift variant.
Genome position (GRCh38, 1-based): chr2:178,535,074, G deleted on the plus strand (C on the coding strand, the reverse complement: TTN is on the minus strand); the first of 2 consecutive G bases (chr2:178,535,074-178,535,075); deleting either gives the same sequence. VCF-style (leftmost placement, unchanged base first): chr2-178535073-TG-T. GRCh37 (hg19) VCF-style: chr2-179399800-TG-T.
Other names: c.96618del, p.Lys32207fs (NM_001256850.1); c.74346del, p.Lys24783fs (NM_003319.4); c.93837del, p.Lys31280fs (NM_133378.4); c.74721del, p.Lys24908fs (NM_133432.3); c.74922del, p.Lys24975fs (NM_133437.4); short protein forms K24783fs, K24908fs, K24975fs, K31280fs, K32207fs, K33848fs.
Identifiers: ClinVar variation 4852172 (VCV004852172.1).

ClinVar aggregate classification (germline): Likely pathogenic (1 of 4 stars; one submission).

Conditions:
Dilated cardiomyopathy 1G (CMD1G). Identifiers: Orphanet 154, MedGen C1858763, MONDO:0011400, OMIM 604145.

Submission:

Variantyx, Inc.
Classification: Likely pathogenic for Dilated cardiomyopathy 1G. Last evaluated: 2025-05-25. Review status: criteria provided, single submitter. Criteria: Variantyx Assertion Criteria 2022. Collection method: clinical testing. Allele origin: germline. Inheritance: Autosomal dominant inheritance. Affected: yes.
Comment: This is a frameshift variant in the TTN gene (OMIM: 188840). Pathogenic variants in this gene have been associated with autosomal dominant dilated cardiomyopathy 1G. This variant introduces a premature termination codon in exon 358 out of 363and is expected to result in loss of function, which is a known disease mechanism for TTN in this disorder (PMID: 22335739, 39968638) (PVS1). This variant is absent from control populations (PM2). Based on the current evidence, this variant is classified as likely pathogenic for autosomal dominant dilated cardiomyopathy 1G.

Literature cited by the submitters: PubMed 22335739; PubMed 39968638.